The following is an entry in ClinVar:

NM_000260.4(MYO7A):c.3216dup (p.Lys1073fs)

Gene: MYO7A (myosin VIIA; plus strand). Cytogenetic location: 11q13.5.
Variant type: Duplication.
Coding change: c.3216dup on transcript NM_000260.4 (MANE Select); coding-DNA position 3216, one base duplicated (C; older notation c.3216dupC).
Protein change: p.Lys1073fs; shifts the reading frame from lysine 1073.
Molecular consequence: frameshift variant.
Genome position (GRCh38, 1-based): chr11:77,182,531, C duplicated; the last of 2 consecutive C bases (chr11:77,182,530-77,182,531); duplicating either gives the same sequence. VCF-style (leftmost placement, unchanged base first): chr11-77182529-A-AC. GRCh37 (hg19) VCF-style: chr11-76893574-A-AC.
Other names: c.3216dup, p.Lys1073fs (NM_001127180.2); c.3183dup, p.Lys1062fs (NM_001369365.1); short protein forms K1062fs, K1073fs.
Identifiers: ClinVar variation 5014746 (VCV005014746.1).

ClinVar aggregate classification (germline): Pathogenic (1 of 4 stars; one submission).

Conditions:
Usher syndrome type 1 (USH1). Also called: RETINITIS PIGMENTOSA AND CONGENITAL DEAFNESS. Identifiers: Orphanet 231169, Orphanet 886, MedGen C1568247, MONDO:0010168, OMIM 276900.

Submission:

Myriad Genetics, Inc.
Classification: Pathogenic for Usher syndrome type 1. Last evaluated: 2025-07-20. Review status: criteria provided, single submitter. Criteria: Myriad Autosomal Dominant, Autosomal Recessive and X-Linked Classification Criteria (2023). Collection method: clinical testing. Allele origin: unknown.
Comment: NM_000260.3(MYO7A):c.3216dupC(K1073Qfs*4) is expected to be pathogenic in the context of MYO7A-related disorders. This variant is predicted to lead to an abnormal or absent protein product due to the creation of a premature termination codon in MYO7A, a gene where loss-of-function variants are known to be pathogenic. Please note: this variant was assessed in the context of healthy population screening.